The following is an entry in ClinVar:

ClinVar aggregate classification (germline): Uncertain significance (1 of 4 stars; one submission).

Submission:

GeneDx
Classification: Uncertain significance. Last evaluated: 2024-07-02. Review status: criteria provided, single submitter. Criteria: GeneDx Variant Classification Process June 2021. Collection method: clinical testing. Allele origin: germline.
Comment: Not observed at significant frequency in large population cohorts (gnomAD); In silico analysis supports that this missense variant has a deleterious effect on protein structure/function; Has not been previously published as pathogenic or benign to our knowledge

NM_003108.4(SOX11):c.1304C>G (p.Ser435Cys)

Gene: SOX11 (SRY-box transcription factor 11; plus strand). Cytogenetic location: 2p25.2.
Variant type: single nucleotide variant.
Coding change: c.1304C>G on transcript NM_003108.4 (MANE Select); coding-DNA position 1304, C replaced by G.
Protein change: p.Ser435Cys; replaces serine 435 with cysteine.
Molecular consequence: missense variant.
Genome position (GRCh38, 1-based): chr2:5,694,025, C>G. VCF-style: chr2-5694025-C-G. GRCh37 (hg19) VCF-style: chr2-5834157-C-G.
Other names: short protein forms S435C.
Identifiers: ClinVar variation 1800626 (VCV001800626.2), dbSNP rs2465089112, ClinGen allele CA345868592.